The following is an entry in ClinVar:

ClinVar aggregate classification (germline): Uncertain significance (1 of 4 stars; one submission).

Conditions:
Arrhythmogenic right ventricular dysplasia 9 (ARVD9). Also called: Arrhythmogenic Right Ventricular Dysplasia/Cardiomyopathy 9; ARRHYTHMOGENIC RIGHT VENTRICULAR DYSPLASIA, FAMILIAL, 9. Identifiers: MedGen C1836906, MONDO:0012180, OMIM 609040.

Allele frequency attached by ClinVar (database versions not stated): gnomAD exomes below 0.00001.
gnomAD v4.1: 4 of 1,613,984 alleles (0.00025%); highest among the groups gnomAD compares: South Asian, 0.0044%; no homozygotes.

Submission:

Labcorp Genetics (formerly Invitae), Labcorp
Classification: Uncertain significance for Arrhythmogenic right ventricular dysplasia 9. Last evaluated: 2022-10-13. Review status: criteria provided, single submitter. Criteria: Invitae Variant Classification Sherloc (09022015). Collection method: clinical testing. Allele origin: germline.
Comment: This sequence change replaces isoleucine, which is neutral and non-polar, with methionine, which is neutral and non-polar, at codon 766 of the PKP2 protein (p.Ile766Met). ClinVar contains an entry for this variant (Variation ID: 1517644). In summary, the available evidence is currently insufficient to determine the role of this variant in disease. Therefore, it has been classified as a Variant of Uncertain Significance. Algorithms developed to predict the effect of missense changes on protein structure and function are either unavailable or do not agree on the potential impact of this missense change (SIFT: "Deleterious"; PolyPhen-2: "Possibly Damaging"; Align-GVGD: "Class C0"). This variant has not been reported in the literature in individuals affected with PKP2-related conditions. This variant is present in population databases (no rsID available, gnomAD 0.003%).

NM_001005242.3(PKP2):c.2166T>G (p.Ile722Met)

Gene: PKP2 (plakophilin 2; minus strand). Cytogenetic location: 12p11.21.
Variant type: single nucleotide variant.
Coding change: c.2166T>G on transcript NM_001005242.3 (MANE Select); coding-DNA position 2166, T replaced by G.
Protein change: p.Ile722Met; replaces isoleucine 722 with methionine.
Molecular consequence: missense variant.
Genome position (GRCh38, 1-based): chr12:32,802,404, A>C on the plus strand (T>G on the coding strand, the complement: PKP2 is on the minus strand). VCF-style: chr12-32802404-A-C. GRCh37 (hg19) VCF-style: chr12-32955338-A-C.
Other names: c.2298T>G, p.Ile766Met (NM_004572.4); short protein forms I766M, I722M.
Identifiers: ClinVar variation 1517644 (VCV001517644.6), dbSNP rs1442934924, ClinGen allele CA384359150.